The following is an entry in ClinVar:

ClinVar aggregate classification (germline): Uncertain significance. Review status: criteria provided, multiple submitters, no conflicts (2 of 4 stars). 2 submissions from 2 submitters: Uncertain significance (2). Last evaluated 2024-07-19.

Conditions:
Arrhythmogenic right ventricular dysplasia 9 (ARVD9). Also called: Arrhythmogenic Right Ventricular Dysplasia/Cardiomyopathy 9; ARRHYTHMOGENIC RIGHT VENTRICULAR DYSPLASIA, FAMILIAL, 9. Identifiers: MedGen C1836906, MONDO:0012180, OMIM 609040.
Cardiomyopathy (CMYO). Also called: Cardiomyopathies. Identifiers: Orphanet 167848, MedGen C0878544, MONDO:0004994, HP:0001638. Inheritance: Various modes of inheritance.

Submissions (2):

Labcorp Genetics (formerly Invitae), Labcorp
Classification: Uncertain significance for Arrhythmogenic right ventricular dysplasia 9. Last evaluated: 2024-07-19. Review status: criteria provided, single submitter. Criteria: Invitae Variant Classification Sherloc (09022015). Collection method: clinical testing. Allele origin: germline.
Comment: This sequence change replaces aspartic acid, which is acidic and polar, with tyrosine, which is neutral and polar, at codon 501 of the PKP2 protein (p.Asp501Tyr). This variant is not present in population databases (gnomAD no frequency). This variant has not been reported in the literature in individuals affected with PKP2-related conditions. ClinVar contains an entry for this variant (Variation ID: 921767). An algorithm developed to predict the effect of missense changes on protein structure and function (PolyPhen-2) suggests that this variant is likely to be tolerated. In summary, the available evidence is currently insufficient to determine the role of this variant in disease. Therefore, it has been classified as a Variant of Uncertain Significance.

Color Diagnostics, LLC DBA Color Health
Classification: Uncertain significance for Cardiomyopathy. Last evaluated: 2023-12-05. Review status: criteria provided, single submitter. Criteria: ACMG Guidelines, 2015. Collection method: clinical testing. Allele origin: germline.
Comment: Variant of Uncertain Significance due to insufficient evidence: This missense variant is located in alternatively spliced exon 6 of the PKP2 gene. Computational prediction tools and conservation analyses suggest that this variant may not impact the protein function. Computational splicing tools suggest that this variant may not impact RNA splicing. To our knowledge, functional assays have not been performed for this variant nor has this variant been reported in individuals affected with cardiovascular disorders in the literature. This variant is rare in the general population and has been identified in 0/277264 chromosomes by the Genome Aggregation Database (gnomAD). Available evidence is insufficient to determine the pathogenicity of this variant conclusively.

NM_001005242.3(PKP2):c.1379-1986G>T

Gene: PKP2 (plakophilin 2; minus strand). Cytogenetic location: 12p11.21.
Variant type: single nucleotide variant.
Coding change: c.1379-1986G>T on transcript NM_001005242.3 (MANE Select); 1986 bases into the intron before coding-DNA position 1379, G replaced by T.
Molecular consequence: intron variant. On other transcripts: missense variant (1).
Genome position (GRCh38, 1-based): chr12:32,843,191, C>A on the plus strand (G>T on the coding strand, the complement: PKP2 is on the minus strand). VCF-style: chr12-32843191-C-A. GRCh37 (hg19) VCF-style: chr12-32996125-C-A.
Other names: c.1501G>T, p.Asp501Tyr (NM_004572.4); short protein forms D501Y.
Identifiers: ClinVar variation 921767 (VCV000921767.9), dbSNP rs1956614139, ClinGen allele CA384368567.